The following is an entry in ClinVar:

NM_001130004.2(ACTN1):c.716T>C (p.Met239Thr)

Gene: ACTN1 (actinin alpha 1; minus strand). Cytogenetic location: 14q24.1.
Variant type: single nucleotide variant.
Coding change: c.716T>C on transcript NM_001130004.2 (MANE Select); coding-DNA position 716, T replaced by C.
Protein change: p.Met239Thr; replaces methionine 239 with threonine.
Molecular consequence: missense variant.
Genome position (GRCh38, 1-based): chr14:68,902,523, A>G on the plus strand (T>C on the coding strand, the complement: ACTN1 is on the minus strand). VCF-style: chr14-68902523-A-G. GRCh37 (hg19) VCF-style: chr14-69369240-A-G.
Other names: c.716T>C, p.Met239Thr (NM_001102.4, NM_001130005.2, NM_001411035.1); c.521T>C, p.Met174Thr (NM_001411036.1); short protein forms M174T, M239T.
Identifiers: ClinVar variation 2505623 (VCV002505623.1), dbSNP rs2503691714, ClinGen allele CA390190175.

ClinVar aggregate classification (germline): Uncertain significance (1 of 4 stars; one submission).

Submission:

GeneDx
Classification: Uncertain significance. Last evaluated: 2022-12-19. Review status: criteria provided, single submitter. Criteria: GeneDx Variant Classification Process June 2021. Collection method: clinical testing. Allele origin: germline. Affected: yes.
Comment: Not observed at significant frequency in large population cohorts (gnomAD); In silico analysis supports that this missense variant has a deleterious effect on protein structure/function; Has not been previously published as pathogenic or benign to our knowledge